The following is an entry in ClinVar:

ClinVar aggregate classification (germline): Benign. Review status: criteria provided, multiple submitters, no conflicts (2 of 4 stars). 8 submissions from 7 submitters: Benign (8). Last evaluated 2026-02-04.

Conditions:
Lethal multiple pterygium syndrome (LMPS). Identifiers: Orphanet 33108, MedGen C1854678, MONDO:0009668, OMIM 253290.
Autosomal recessive multiple pterygium syndrome. Also called: MULTIPLE PTERYGIUM SYNDROME, ESCOBAR VARIANT; PTERYGIUM COLLI SYNDROME; PTERYGIUM SYNDROME; PTERYGIUM UNIVERSALE. Identifiers: Orphanet 2990, MedGen C0265261, MONDO:0009926, OMIM 265000.

Allele frequency attached by ClinVar (database versions not stated): 1000 Genomes Project 30x 0.15100; 1000 Genomes Project 0.15196; TOPMed 0.17042; gnomAD 0.17611 and 0.17633; ESP Exome Variant Server 0.17646; gnomAD exomes 0.18690 and 0.19994; ExAC 0.18694.
gnomAD v4.1: 318,984 of 1,613,722 alleles (20%); highest among the groups gnomAD compares: Middle Eastern, 24%; 32,366 homozygotes.

Submissions (8):

Labcorp Genetics (formerly Invitae), Labcorp
Classification: Benign. Last evaluated: 2026-02-04. Review status: criteria provided, single submitter. Criteria: Invitae Variant Classification Sherloc (09022015). Collection method: clinical testing. Allele origin: germline.

Blueprint Genetics
Classification: Benign. Last evaluated: 2024-11-26. Review status: criteria provided, single submitter. Criteria: ACMG Guidelines, 2015. Collection method: clinical testing. Allele origin: germline.

GeneDx
Classification: Benign. Last evaluated: 2018-11-10. Review status: criteria provided, single submitter. Criteria: GeneDx Variant Classification Process June 2021. Collection method: clinical testing. Allele origin: germline. Affected: yes.

Illumina Laboratory Services, Illumina
Classification: Benign for Lethal multiple pterygium syndrome. Last evaluated: 2018-01-12. Review status: criteria provided, single submitter. Criteria: ICSL Variant Classification Criteria 13 December 2019. Collection method: clinical testing. Allele origin: germline.
Comment: This variant was observed in the ICSL laboratory as part of a predisposition screen in an ostensibly healthy population. It had not been previously curated by ICSL or reported in the Human Gene Mutation Database (HGMD: prior to June 1st, 2018), and was therefore a candidate for classification through an automated scoring system. Utilizing variant allele frequency, disease prevalence and penetrance estimates, and inheritance mode, an automated score was calculated to assess if this variant is too frequent to cause the disease. Based on the score and internal cut-off values, a variant classified as benign is not then subjected to further curation. The score for this variant resulted in a classification of benign for this disease.

Illumina Laboratory Services, Illumina
Classification: Benign for Autosomal recessive multiple pterygium syndrome. Last evaluated: 2018-01-12. Review status: criteria provided, single submitter. Criteria: ICSL Variant Classification Criteria 13 December 2019. Collection method: clinical testing. Allele origin: germline.
Comment: the same text as in the submission from Illumina Laboratory Services, Illumina above.

Eurofins Ntd Llc (ga)
Classification: Benign. Last evaluated: 2014-11-17. Review status: criteria provided, single submitter. Criteria: EGL Classification Definitions 2015. Collection method: clinical testing. Allele origin: germline. Observed: 1 variant allele, 1 heterozygote.

Breakthrough Genomics
Classification: Benign. Review status: criteria provided, single submitter. Criteria: ACMG Guidelines, 2015. Collection method: not provided. Allele origin: germline. Inheritance: Autosomal recessive inheritance. Affected: yes.

PreventionGenetics, part of Exact Sciences
Classification: Benign. Review status: criteria provided, single submitter. Criteria: ACMG Guidelines, 2015. Collection method: clinical testing. Allele origin: germline.

NM_005199.5(CHRNG):c.1422C>T (p.Arg474=)

Genes: CHRNG (cholinergic receptor nicotinic gamma subunit; plus strand), TIGD1 (tigger transposable element derived 1; minus strand). Cytogenetic location: 2q37.1.
Variant type: single nucleotide variant.
Coding change: c.1422C>T on transcript NM_005199.5 (MANE Select); coding-DNA position 1422, C replaced by T.
Protein change: p.Arg474=; no amino-acid change (arginine 474 retained).
Molecular consequence: synonymous variant.
Genome position (GRCh38, 1-based): chr2:232,545,584, C>T. VCF-style: chr2-232545584-C-T. GRCh37 (hg19) VCF-style: chr2-233410294-C-T.
Identifiers: ClinVar variation 194064 (VCV000194064.17), dbSNP rs2099489, ClinGen allele CA200945.